The following is an entry in ClinVar:

ClinVar aggregate classification (germline): Uncertain significance (1 of 4 stars; one submission).

Conditions:
Hereditary cancer-predisposing syndrome. Also called: Neoplastic Syndromes, Hereditary; Tumor predisposition; Hereditary Cancer Syndrome; Hereditary neoplastic syndrome. Identifiers: Orphanet 140162, MedGen C0027672, MeSH D009386, MONDO:0015356.

Submission:

Ambry Genetics
Classification: Uncertain significance for Hereditary cancer-predisposing syndrome. Last evaluated: 2021-07-08. Review status: criteria provided, single submitter. Criteria: Ambry Variant Classification Scheme 2023. Collection method: clinical testing. Allele origin: germline.
Comment: The p.M2252K variant (also known as c.6755T>A), located in coding exon 49 of the POLE gene, results from a T to A substitution at nucleotide position 6755. The methionine at codon 2252 is replaced by lysine, an amino acid with similar properties. This amino acid position is conserved. In addition, this alteration is predicted to be tolerated by in silico analysis. Since supporting evidence is limited at this time, the clinical significance of this alteration remains unclear.

NM_006231.4(POLE):c.6755T>A (p.Met2252Lys)

Gene: POLE (DNA polymerase epsilon, catalytic subunit; minus strand). Cytogenetic location: 12q24.33.
Variant type: single nucleotide variant.
Coding change: c.6755T>A on transcript NM_006231.4 (MANE Select); coding-DNA position 6755, T replaced by A.
Protein change: p.Met2252Lys; replaces methionine 2252 with lysine.
Molecular consequence: missense variant.
Genome position (GRCh38, 1-based): chr12:132,624,803, A>T on the plus strand (T>A on the coding strand, the complement: POLE is on the minus strand). VCF-style: chr12-132624803-A-T. GRCh37 (hg19) VCF-style: chr12-133201389-A-T.
Other names: short protein forms M2252K.
Identifiers: ClinVar variation 1755253 (VCV001755253.2), dbSNP rs369576300, ClinGen allele CA387365907.
Genomic context (GRCh38, chr12:132,624,803, plus strand): 5'-TCCAGGAGGTACGACATGCCGTAGTGCTGGGCAATGTTCCGGAATATTCCGATCTGTTCC[A>T]TGAAGACCTGCAGGAATAAACAGGCACAGTGAGACCCCAGTCCACTCAGAGAGGAGGCCA-3'
Protein context (NP_006222.2, residues 2242-2262): FALTIHTQVF[Met2252Lys]EQIGIFRNIA